The following is an entry in ClinVar:

NM_000194.3(HPRT1):c.368C>G (p.Ser123Ter)

Gene: HPRT1 (hypoxanthine phosphoribosyltransferase 1; plus strand). Cytogenetic location: Xq26.2.
Variant type: single nucleotide variant.
Coding change: c.368C>G on transcript NM_000194.3 (MANE Select); coding-DNA position 368, C replaced by G.
Protein change: p.Ser123Ter; replaces serine 123 with a stop codon.
Molecular consequence: nonsense.
Genome position (GRCh38, 1-based): chrX:134,486,514, C>G. VCF-style: chrX-134486514-C-G. GRCh37 (hg19) VCF-style: chrX-133620544-C-G.
Other names: short protein forms S123*.
Identifiers: ClinVar variation 582293 (VCV000582293.9), dbSNP rs369065223, ClinGen allele CA414713712.

ClinVar aggregate classification (germline): Pathogenic (1 of 4 stars; one submission).

Conditions:
Partial hypoxanthine-guanine phosphoribosyltransferase deficiency. Also called: HYPOXANTHINE GUANINE PHOSPHORIBOSYLTRANSFERASE 1 DEFICIENCY, PARTIAL; HPRT1 DEFICIENCY, PARTIAL; GOUT, HPRT-RELATED; HPRT DEFICIENCY, PARTIAL; Kelley-Seegmiller Syndrome. Identifiers: Orphanet 79233, MedGen C0268117, MONDO:0010299, OMIM 300323.
Lesch-Nyhan syndrome (LNS). Also called: Lesch-Nyhan Disease (LND); HPRT DEFICIENCY, COMPLETE. Identifiers: Orphanet 510, MedGen C0023374, MONDO:0010298, OMIM 300322.

Submission:

Labcorp Genetics (formerly Invitae), Labcorp
Classification: Pathogenic for Lesch-Nyhan syndrome; Partial hypoxanthine-guanine phosphoribosyltransferase deficiency. Last evaluated: 2018-04-12. Review status: criteria provided, single submitter. Criteria: Invitae Variant Classification Sherloc (09022015). Collection method: clinical testing. Allele origin: germline.
Comment: This sequence change creates a premature translational stop signal (p.Ser123*) in the HPRT1 gene. It is expected to result in an absent or disrupted protein product. This variant is not present in population databases (ExAC no frequency). This variant has been reported in an individual affected with Lesch-Nyhan syndrome (PMID: 1301916). Loss-of-function variants in HPRT1 are known to be pathogenic (PMID: 15571220, 17027311, 22157001). For these reasons, this variant has been classified as Pathogenic.

Literature cited by the submitters: PubMed 1301916; PubMed 15571220; PubMed 17027311; PubMed 22157001.